The following is an entry in ClinVar:

ClinVar aggregate classification (germline): Pathogenic. Review status: criteria provided, multiple submitters, no conflicts (2 of 4 stars). 5 submissions from 5 submitters: Pathogenic (5). Last evaluated 2025-08-24.

Conditions:
Familial cancer of breast. Also called: BREAST CANCER, FAMILIAL; Hereditary breast cancer; hereditary breast carcinoma. Identifiers: Orphanet 227535, MedGen C0346153, MONDO:0016419, OMIM 114480. Disease mechanism: loss of function.
Hereditary cancer-predisposing syndrome. Also called: Hereditary Cancer Syndrome; Neoplastic Syndromes, Hereditary; Tumor predisposition; Hereditary neoplastic syndrome. Identifiers: Orphanet 140162, MedGen C0027672, MeSH D009386, MONDO:0015356.
Ataxia-telangiectasia syndrome (AT). Also called: Ataxia-telangiectasia, complementation group D; AT, COMPLEMENTATION GROUP C; ATAXIA-TELANGIECTASIA, COMPLEMENTATION GROUP A; ATAXIA-TELANGIECTASIA, FRESNO VARIANT; Ataxia-telangiectasia; LOUIS-BAR SYNDROME. Identifiers: Orphanet 100, MedGen C0004135, MONDO:0008840, OMIM 208900.

Submissions (5):

Labcorp Genetics (formerly Invitae), Labcorp
Classification: Pathogenic for Ataxia-telangiectasia syndrome. Last evaluated: 2025-08-24. Review status: criteria provided, single submitter. Criteria: Invitae Variant Classification Sherloc (09022015). Collection method: clinical testing. Allele origin: germline.
Comment: This sequence change creates a premature translational stop signal (p.Leu1351Tyrfs*35) in the ATM gene. It is expected to result in an absent or disrupted protein product. Loss-of-function variants in ATM are known to be pathogenic (PMID: 23807571, 25614872). This variant is not present in population databases (gnomAD no frequency). This premature translational stop signal has been observed in individual(s) with ataxia-telangiectasia (PMID: 9887333, 10330348, 10425038). This variant is also known as c.4051delT. ClinVar contains an entry for this variant (Variation ID: 185658). For these reasons, this variant has been classified as Pathogenic.

Ambry Genetics
Classification: Pathogenic for Hereditary cancer-predisposing syndrome. Last evaluated: 2024-12-30. Review status: criteria provided, single submitter. Criteria: Ambry Variant Classification Scheme 2023. Collection method: clinical testing. Allele origin: germline.
Comment: The c.4052delT pathogenic mutation, located in coding exon 26 of the ATM gene, results from a deletion of one nucleotide at nucleotide position 4052, causing a translational frameshift with a predicted alternate stop codon (p.L1351Yfs*35). This alteration has been reported in multiple individuals diagnosed with ataxia telangiectasia (Sandoval N. Hum. Mol. Genet. 1999 Jan; 8(1):69-79; Teraoka SN. Am. J. Hum. Genet. 1999 Jun; 64(6):1617-31). In addition to the clinical data presented in the literature, this alteration is expected to result in loss of function by premature protein truncation or nonsense-mediated mRNA decay. As such, this alteration is interpreted as a disease-causing mutation.

Myriad Genetics, Inc.
Classification: Pathogenic for Familial cancer of breast. Last evaluated: 2024-01-23. Review status: criteria provided, single submitter. Criteria: Myriad Autosomal Dominant, Autosomal Recessive and X-Linked Classification Criteria (2023). Collection method: clinical testing. Allele origin: unknown.
Comment: This variant is considered pathogenic. This variant creates a frameshift predicted to result in premature protein truncation.

Color Diagnostics, LLC DBA Color Health
Classification: Pathogenic for Hereditary cancer-predisposing syndrome. Last evaluated: 2019-11-05. Review status: criteria provided, single submitter. Criteria: ACMG Guidelines, 2015. Collection method: clinical testing. Allele origin: germline.
Comment: This variant deletes 1 nucleotide in exon 27 of the ATM gene, creating a frameshift and premature translation stop signal. This variant is expected to result in an absent or non-functional protein product. Splice site prediction tools suggest that this variant may not impact RNA splicing. To our knowledge, functional studies have not been performed for this variant. This variant has been reported in individuals affected with ataxia-telangiectasia (PMID: 9887333, 10330348, 10425038). This variant has not been identified in the general population by the Genome Aggregation Database (gnomAD). Loss of ATM function is a known mechanism of disease. Based on the available evidence, this variant is classified as Pathogenic.

GeneDx
Classification: Pathogenic. Last evaluated: 2014-10-22. Review status: criteria provided, single submitter. Criteria: GeneDx Variant Classification (06012015). Collection method: clinical testing. Allele origin: germline. Affected: yes.
Comment: This deletion of one nucleotide in ATM is denoted c.4052delT at the cDNA level and p.Leu1351TyrfsX35 (L1351YfsX35) at the protein level. The normal sequence, with the bases that are deleted in brackets, is ACGT[T]ACAT. The deletion causes a frameshift, which changes a Leucine to a Tyrosine at codon 1351, and creates a premature stop codon at position 35 of the new reading frame. This variant is predicted to cause loss of normal protein function through either protein truncation or nonsense-mediated mRNA decay. ATM c.4052delT has been reported in at least two individuals with Ataxia-telangiectasia in the homozygous and compound heterozygous state (Sandoval 1999, Teraoka 1999). we consider this variant to be pathogenic.The presence of

Literature cited by the submitters: PubMed 23807571 (cited by Labcorp Genetics (formerly Invitae), Labcorp); PubMed 25614872 (cited by Labcorp Genetics (formerly Invitae), Labcorp); PubMed 9887333 (cited by Labcorp Genetics (formerly Invitae), Labcorp and Ambry Genetics); PubMed 10330348 (cited by Labcorp Genetics (formerly Invitae), Labcorp and Ambry Genetics); PubMed 10425038 (cited by Labcorp Genetics (formerly Invitae), Labcorp).

NM_000051.4(ATM):c.4052del (p.Leu1351fs)

Gene: ATM (ATM serine/threonine kinase; plus strand). Cytogenetic location: 11q22.3.
Variant type: Deletion.
Coding change: c.4052del on transcript NM_000051.4 (MANE Select); coding-DNA position 4052, one base deleted (T; older notation c.4052delT).
Protein change: p.Leu1351fs; shifts the reading frame from leucine 1351.
Molecular consequence: frameshift variant.
Genome position (GRCh38, 1-based): chr11:108,287,658, T deleted; the last of 2 consecutive T bases (chr11:108,287,657-108,287,658); deleting either gives the same sequence. VCF-style (leftmost placement, unchanged base first): chr11-108287656-GT-G. GRCh37 (hg19) VCF-style: chr11-108158383-GT-G.
Other names: c.4052delT (NM_000051.3); c.4052del, p.Leu1351fs (NM_001351834.2); short protein forms L1351fs.
Identifiers: ClinVar variation 185658 (VCV000185658.21), dbSNP rs786202350, ClinGen allele CA192548.